The following is an entry in ClinVar:

ClinVar aggregate classification (germline): Pathogenic. Review status: criteria provided, single submitter (1 of 4 stars). 2 submissions from 2 submitters: Pathogenic (1). 1 of the submissions does not count toward it. Last evaluated 2024-10-17.

Conditions:
Cobalamin C disease. Also called: methylmalonic aciduria and homocystinuria type cblC; Methylmalonic aciduria with homocystinuria cblC type; Cobalamin-C methylmalonic acidemia and homocystinuria; Methylmalonic acidemia and homocystinuria cblC type; Methylmalonic aciduria and homocystinuria, Vitamin B12-responsive; Vitamin B12 metabolic defect with combined deficiency of methylmalonyl-CoA mutase and homocysteine:methyltetrahydrofolate methyltransferase. Identifiers: Orphanet 26, Orphanet 79282, MedGen C1848561, MONDO:0010184, OMIM 277400.

Submissions (2):

Natera, Inc.
Classification: Pathogenic for Methylmalonic aciduria and homocystinuria cblC type. Last evaluated: 2024-10-17. Review status: criteria provided, single submitter. Criteria: Natera Variant Classification Schema (03/2026). Collection method: clinical testing. Allele origin: germline.
Comment: The c.89G>A variant in MMACHC is a nonsense variant predicted to introduce a stop codon at amino acid 30. This variant is expected to result in nonsense mediated decay, truncation, or a dysfunctional protein product. This variant is rare in the general population with a frequency below the threshold expected for the associated phenotype(s). This variant has been observed in one or more individuals affected with the associated recessive disease, as either homozygous or compound heterozygous with a second variant (PMID: 35361390). Given the available evidence, this variant is classified as Pathogenic.

Genetics and Prenatal Diagnosis Center, The First Affiliated Hospital of Zhengzhou University
Classification: Likely pathogenic for Methylmalonic acidemia with homocystinuria. Last evaluated: 2020-01-01. Review status: no assertion criteria provided. Collection method: clinical testing. Allele origin: germline. Affected: yes. Not counted in ClinVar's aggregate classification.

Literature cited by the submitters: PubMed 35361390 (cited by Natera, Inc.).

NM_015506.3(MMACHC):c.89G>A (p.Trp30Ter)

Gene: MMACHC (metabolism of cobalamin associated C; plus strand). Cytogenetic location: 1p34.1.
Variant type: single nucleotide variant.
Coding change: c.89G>A on transcript NM_015506.3 (MANE Select); coding-DNA position 89, G replaced by A.
Protein change: p.Trp30Ter; replaces tryptophan 30 with a stop codon.
Molecular consequence: nonsense. On other transcripts: 5 prime UTR variant (1).
Genome position (GRCh38, 1-based): chr1:45,507,363, G>A. VCF-style: chr1-45507363-G-A. GRCh37 (hg19) VCF-style: chr1-45973035-G-A.
Other names: c.89G>A (NM_015506.2); c.-83G>A (NM_001330540.2); short protein forms W30*.
Identifiers: ClinVar variation 813347 (VCV000813347.4), dbSNP rs1570829502, ClinGen allele CA340131363.